The following is an entry in ClinVar:

ClinVar aggregate classification (germline): Uncertain significance (1 of 4 stars; one submission).

Submission:

GeneDx
Classification: Uncertain significance. Last evaluated: 2024-05-31. Review status: criteria provided, single submitter. Criteria: GeneDx Variant Classification Process June 2021. Collection method: clinical testing. Allele origin: germline. Affected: yes.
Comment: Not observed at significant frequency in large population cohorts (gnomAD); Frameshift variant predicted to result in protein truncation or nonsense mediated decay in a gene or region of a gene for which loss of function is not a well-established mechanism of disease; Has not been previously published as pathogenic or benign to our knowledge

NM_017852.5(NLRP2):c.726del (p.Phe243fs)

Gene: NLRP2 (NLR family pyrin domain containing 2; plus strand). Cytogenetic location: 19q13.42.
Variant type: Deletion.
Coding change: c.726del on transcript NM_017852.5 (MANE Select); coding-DNA position 726, one base deleted (G; older notation c.726delG).
Protein change: p.Phe243fs; shifts the reading frame from phenylalanine 243.
Molecular consequence: frameshift variant. On other transcripts: non-coding transcript variant (1).
Genome position (GRCh38, 1-based): chr19:54,982,424, G deleted. VCF-style (leftmost placement, unchanged base first): chr19-54982423-CG-C. GRCh37 (hg19) VCF-style: chr19-55493791-CG-C.
Other names: c.726del, p.Phe243fs (NM_001174081.3); c.660del, p.Phe221fs (NM_001174082.3); c.657del, p.Phe220fs (NM_001174083.2); c.717del, p.Phe240fs (NM_001348003.2); short protein forms F220fs, F221fs, F240fs, F243fs.
Identifiers: ClinVar variation 3383661 (VCV003383661.1).
Genomic context (GRCh38, chr19:54,982,423, plus strand): 5'-TGGCCCAGAAACTAATGCTAGACTGGGCAGAGGACAACCTCATCCACAAATTCAAATATG[CG>C]TTCTACCTCAGCTGCAGGGAGCTCAGCCGCCTGGGCCCGTGCAGTTTTGCAGAGCTGGTC-3'